The following is an entry in ClinVar:

ClinVar aggregate classification (germline): Pathogenic/Likely pathogenic. Review status: criteria provided, multiple submitters, no conflicts (2 of 4 stars). 2 submissions from 2 submitters: Pathogenic (1); Likely pathogenic (1). Last evaluated 2024-10-09.

Conditions:
Intellectual developmental disorder, X-linked, syndromic, Claes-Jensen type. Also called: INTELLECTUAL DEVELOPMENTAL DISORDER, X-LINKED, SYNDROMIC 16; MENTAL RETARDATION, X-LINKED, SYNDROMIC 16; Syndromic X-linked intellectual disability Claes-Jensen type. Identifiers: Orphanet 85279, MedGen C1845243, MONDO:0010355, OMIM 300534.

gnomAD v4.1: 1 of 1,211,640 alleles (0.000083%); highest among the groups gnomAD compares: Non-Finnish European, 0.00011%; no homozygotes.

Submissions (2):

Victorian Clinical Genetics Services, Murdoch Childrens Research Institute
Classification: Pathogenic for Intellectual developmental disorder, X-linked, syndromic, Claes-Jensen type. Last evaluated: 2024-10-09. Review status: criteria provided, single submitter. Criteria: ACMG Guidelines, 2015. Collection method: clinical testing. Allele origin: germline. Inheritance: X-linked recessive inheritance. Affected: yes.
Comment: Based on the classification scheme VCGS_Germline_v1.3.4, this variant is classified as Pathogenic. Following criteria are met: 0102 - Loss of function is a known mechanism of disease in this gene and is associated with intellectual developmental disorder, X-linked syndromic, Claes-Jensen type (MIM#300534) . (I) 0109 - This gene is associated with X-linked recessive disease. (I) 0115 - Variants in this gene are known to have variable expressivity. Intrafamilial and interfamilial variability has been reported (PMID: 16541399). (I) 0200 - Variant is predicted to result in a missense amino acid change from proline to leucine. (I) 0253 - This variant is hemizygous. (I) 0301 - Variant is absent from gnomAD (both v2 and v3). (SP) 0502 - Missense variant with conflicting in silico predictions and high conservation. (I) 0603 - Missense variant in a region that is highly intolerant to missense variation (high constraint region in DECIPHER). (SP) 0705 - No comparable missense variants have previous evidence for pathogenicity. (I) 0803 - This variant has limited previous evidence of pathogenicity in unrelated individuals. This variant has been reported in an individual with mild intellectual disability, language delay, dystonia and dysarthria (PMID: 36434256) and in an individual with moderate intellectual disability, tonic-clonic seizures, dystonia and language delay (PMID: 35795805). (SP) 0905 - No published segregation evidence has been identified for this variant. (I) 1007 - No published functional evidence has been identified for this variant. (SP) Legend: (SP) - Supporting pathogenic, (I) - Information, (SB) - Supporting benign

Juno Genomics, Hangzhou Juno Genomics, Inc
Classification: Likely pathogenic for Intellectual developmental disorder, X-linked, syndromic, Claes-Jensen type. Review status: criteria provided, single submitter. Criteria: ACMG Guidelines, 2015. Collection method: clinical testing. Allele origin: germline. Affected: yes.
Comment: Absent from controls (or at extremely low frequency if recessive) in Genome Aggregation Database, Exome Sequencing Project, 1000 Genomes Project, or Exome Aggregation Consortium.;De novo (both maternity and paternity confirmed) in a patient with the disease and no family history.;The prevalence of the variant in affected individuals is significantly increased compared to the prevalence in controls.;Patient's phenotype or family history is highly specific for a disease with a single genetic etiology.;Multiple lines of computational evidence support a deleterious effect on the gene or gene product (conservation, evolutionary, splicing impact, etc).;Missense variant in a gene that has a low rate of benign missense variation and where missense variants are a common mechanism of disease.

Literature cited by the submitters: PubMed 16541399 (cited by Victorian Clinical Genetics Services, Murdoch Childrens Research Institute); PubMed 35795805 (cited by Victorian Clinical Genetics Services, Murdoch Childrens Research Institute); PubMed 36434256 (cited by Victorian Clinical Genetics Services, Murdoch Childrens Research Institute).

NM_004187.5(KDM5C):c.1592C>T (p.Pro531Leu)

Gene: KDM5C (lysine demethylase 5C; minus strand). Cytogenetic location: Xp11.22.
Variant type: single nucleotide variant.
Coding change: c.1592C>T on transcript NM_004187.5 (MANE Select); coding-DNA position 1592, C replaced by T.
Protein change: p.Pro531Leu; replaces proline 531 with leucine.
Molecular consequence: missense variant. On other transcripts: non-coding transcript variant (3).
Genome position (GRCh38, 1-based): chrX:53,210,568, G>A on the plus strand (C>T on the coding strand, the complement: KDM5C is on the minus strand). VCF-style: chrX-53210568-G-A. GRCh37 (hg19) VCF-style: chrX-53239750-G-A.
Other names: c.1589C>T, p.Pro530Leu (NM_001353979.2, NM_001353982.2, NM_001282622.3); c.1592C>T, p.Pro531Leu (NM_001353981.2, NM_001353984.2, NM_001353978.3); c.1391C>T, p.Pro464Leu (NM_001146702.2); short protein forms P464L, P530L, P531L.
Identifiers: ClinVar variation 3377327 (VCV003377327.4).
Genomic context (GRCh38, chrX:53,210,568, plus strand): 5'-TTCTTCATCACTTCTTCCAAATGTTCTGCTGCAAGTGAGGGCACCCCATACCAGGTCTTC[G>A]GCTCACCCCTGCACAAGTGGAAAAGGGACACACACAGTAAATCACACCTTGGTCATGCAG-3'
Protein context (NP_004178.2, residues 521-541): YSINYLHWGE[Pro531Leu]KTWYGVPSLA